The following is an entry in ClinVar:

ClinVar aggregate classification (germline): Benign. Review status: criteria provided, multiple submitters, no conflicts (2 of 4 stars). 9 submissions from 7 submitters: Benign (9). Last evaluated 2026-02-04.

Conditions:
Schwartz-Jampel syndrome. Also called: Myotonic myopathy dwarfism chondrodystrophy and ocular and facial abnormalities. Identifiers: Orphanet 800, MedGen C0036391, MONDO:0009717.
Lethal Kniest-like syndrome (DDSH). Also called: Dyssegmental Dysplasia. Identifiers: Orphanet 1865, MedGen C1857100, MONDO:0009140, OMIM 224410.

Allele frequency attached by ClinVar (database versions not stated): 1000 Genomes Project 30x 0.92661; 1000 Genomes Project 0.92991; TOPMed 0.93239; ESP Exome Variant Server 0.93518; gnomAD 0.93519 and 0.93953.
gnomAD v4.1: 1,596,271 of 1,614,162 alleles (99%); highest among the groups gnomAD compares: East Asian, 100%; 790,904 homozygotes.

Submissions (9):

Labcorp Genetics (formerly Invitae), Labcorp
Classification: Benign. Last evaluated: 2026-02-04. Review status: criteria provided, single submitter. Criteria: Invitae Variant Classification Sherloc (09022015). Collection method: clinical testing. Allele origin: germline.

Blueprint Genetics
Classification: Benign. Last evaluated: 2024-11-26. Review status: criteria provided, single submitter. Criteria: ACMG Guidelines, 2015. Collection method: clinical testing. Allele origin: germline.

Genome-Nilou Lab
Classification: Benign for Lethal Kniest-like syndrome. Last evaluated: 2021-08-10. Review status: criteria provided, single submitter. Criteria: ACMG Guidelines, 2015. Collection method: clinical testing. Allele origin: germline. Affected: no.

Genome-Nilou Lab
Classification: Benign for Schwartz-Jampel syndrome type 1. Last evaluated: 2021-08-10. Review status: criteria provided, single submitter. Criteria: ACMG Guidelines, 2015. Collection method: clinical testing. Allele origin: germline. Affected: no.

Athena Diagnostics
Classification: Benign. Last evaluated: 2019-01-28. Review status: criteria provided, single submitter. Criteria: Athena Diagnostics Criteria. Collection method: clinical testing. Allele origin: germline.

GeneDx
Classification: Benign. Last evaluated: 2018-08-10. Review status: criteria provided, single submitter. Criteria: GeneDx Variant Classification Process June 2021. Collection method: clinical testing. Allele origin: germline. Affected: yes.

Illumina Laboratory Services, Illumina
Classification: Benign for Schwartz-Jampel syndrome type 1. Last evaluated: 2018-01-13. Review status: criteria provided, single submitter. Criteria: ICSL Variant Classification Criteria 13 December 2019. Collection method: clinical testing. Allele origin: germline.
Comment: This variant was observed in the ICSL laboratory as part of a predisposition screen in an ostensibly healthy population. It had not been previously curated by ICSL or reported in the Human Gene Mutation Database (HGMD: prior to June 1st, 2018), and was therefore a candidate for classification through an automated scoring system. Utilizing variant allele frequency, disease prevalence and penetrance estimates, and inheritance mode, an automated score was calculated to assess if this variant is too frequent to cause the disease. Based on the score and internal cut-off values, a variant classified as benign is not then subjected to further curation. The score for this variant resulted in a classification of benign for this disease.

Illumina Laboratory Services, Illumina
Classification: Benign for Lethal Kniest-like syndrome. Last evaluated: 2018-01-13. Review status: criteria provided, single submitter. Criteria: ICSL Variant Classification Criteria 13 December 2019. Collection method: clinical testing. Allele origin: germline.
Comment: the same text as in the submission from Illumina Laboratory Services, Illumina above.

Breakthrough Genomics
Classification: Benign. Review status: criteria provided, single submitter. Criteria: ACMG Guidelines, 2015. Collection method: not provided. Allele origin: germline. Inheritance: Autosomal recessive inheritance. Affected: yes.

NM_005529.7(HSPG2):c.2294A>G (p.Asn765Ser)

Gene: HSPG2 (heparan sulfate proteoglycan 2; minus strand). Cytogenetic location: 1p36.12.
Variant type: single nucleotide variant.
Coding change: c.2294A>G on transcript NM_005529.7 (MANE Select); coding-DNA position 2294, A replaced by G.
Protein change: p.Asn765Ser; replaces asparagine 765 with serine.
Molecular consequence: missense variant.
Genome position (GRCh38, 1-based): chr1:21,880,156, T>C on the plus strand (A>G on the coding strand, the complement: HSPG2 is on the minus strand). VCF-style: chr1-21880156-T-C. GRCh37 (hg19) VCF-style: chr1-22206649-T-C.
Other names: c.2297A>G, p.Asn766Ser (NM_001291860.2); short protein forms N765S, N766S.
Identifiers: ClinVar variation 295881 (VCV000295881.19), dbSNP rs989994, ClinGen allele CA673121.